The following is an entry in ClinVar:

ClinVar aggregate classification (germline): Likely pathogenic (0 of 4 stars; one submission).

Conditions:
LAMB3-related disorder. Also called: LAMB3-related condition.

gnomAD v4.1: 1 of 1,613,994 alleles (0.000062%); highest among the groups gnomAD compares: African/African-American, 0.0013%; no homozygotes.

Submission:

PreventionGenetics, part of Exact Sciences
Classification: Likely pathogenic for LAMB3-related condition. Last evaluated: 2024-06-10. Review status: no assertion criteria provided. Collection method: clinical testing. Allele origin: germline.
Comment: The LAMB3 c.439C>T variant is predicted to result in premature protein termination (p.Gln147*). To our knowledge, this variant has not been reported in the literature. This variant is reported in 0.012% of alleles in individuals of African descent in gnomAD. Nonsense variants in LAMB3 are expected to be pathogenic. This variant is interpreted as likely pathogenic.

NM_000228.3(LAMB3):c.439C>T (p.Gln147Ter)

Gene: LAMB3 (laminin subunit beta 3; minus strand). Cytogenetic location: 1q32.2.
Variant type: single nucleotide variant.
Coding change: c.439C>T on transcript NM_000228.3 (MANE Select); coding-DNA position 439, C replaced by T.
Protein change: p.Gln147Ter; replaces glutamine 147 with a stop codon.
Molecular consequence: nonsense.
Genome position (GRCh38, 1-based): chr1:209,634,572, G>A on the plus strand (C>T on the coding strand, the complement: LAMB3 is on the minus strand). VCF-style: chr1-209634572-G-A. GRCh37 (hg19) VCF-style: chr1-209807917-G-A.
Other names: c.439C>T, p.Gln147Ter (NM_001017402.2, NM_001127641.1); short protein forms Q147*.
Identifiers: ClinVar variation 3353618 (VCV003353618.1).